The following is an entry in ClinVar:

ClinVar aggregate classification (germline): Pathogenic (1 of 4 stars; one submission).

Conditions:
Hypotonia, ataxia, and delayed development syndrome (HADDS). Also called: EBF3 Neurodevelopmental Disorder. Identifiers: Orphanet 658843, MedGen C4310618, MONDO:0015021, OMIM 617330.

Submission:

Victorian Clinical Genetics Services, Murdoch Childrens Research Institute
Classification: Pathogenic for Hypotonia, ataxia, and delayed development syndrome. Last evaluated: 2022-06-24. Review status: criteria provided, single submitter. Criteria: ACMG Guidelines, 2015. Collection method: clinical testing. Allele origin: germline. Inheritance: Autosomal dominant inheritance. Affected: yes.
Comment: Based on the classification scheme VCGS_Germline_v1.3.4, this variant is classified as Pathogenic. Following criteria are met: 0103 - Dominant negative and loss of function are known mechanisms of disease in this gene and are associated with hypotonia, ataxia, and delayed development syndrome (MIM#617330). Variants resulting in a premature termination codon have a loss of function effect on protein, whereas missense variants have been demonstrated to have both loss of function and a dominant negative effect (PMID: 28017373). (I) 0107 - This gene is associated with autosomal dominant disease. (I) 0213 - In-frame deletion in a non-repetitive region that has high conservation. (SP) 0251 - This variant is heterozygous. (I) 0301 - Variant is absent from gnomAD (both v2 and v3). (SP) 0602 - Variant is located in a hotspot region or cluster of pathogenic variants. Missense variants tend to cluster in the DNA binding domain (PMID: 28487885). (SP) 0705 - No comparable in-frame deletion variants have previous evidence for pathogenicity. (I) 0807 - This variant has no previous evidence of pathogenicity. (I) 0905 - No published segregation evidence has been identified for this variant. (I) 1007 - No published functional evidence has been identified for this variant. (SP) Legend: (SP) - Supporting pathogenic, (I) - Information, (SB) - Supporting benign

Literature cited by the submitters: PubMed 28017373; PubMed 28487885.

NM_001375380.1(EBF3):c.705CAA[1] (p.Asn237del)

Gene: EBF3 (EBF transcription factor 3; minus strand). Cytogenetic location: 10q26.3.
Variant type: Microsatellite.
Coding change: c.705CAA[1] on transcript NM_001375380.1 (MANE Select); one copy of the 3-base unit CAA starting at c.705; the reference has two copies in a row; one copy, 3 bases deleted.
Protein change: p.Asn237del; deletes asparagine 237.
Molecular consequence: inframe deletion.
Genome position (GRCh38, 1-based): chr10:129,873,523-129,873,525, TTG deleted on the plus strand (CAA on the coding strand, the reverse complement: EBF3 is on the minus strand); deleting any 3 consecutive bases within chr10:129,873,523-129,873,529 gives the same sequence; the position shown is the placement nearest the transcript's 3' end. VCF-style (leftmost placement, unchanged base first): chr10-129873522-ATTG-A. GRCh37 (hg19) VCF-style: chr10-131671786-ATTG-A.
Other names: c.705CAA[1], p.Asn237del (NM_001375389.1, NM_001375390.1, NM_001375391.1 and 3 more transcripts); short protein forms N237del.
Identifiers: ClinVar variation 1699372 (VCV001699372.3), dbSNP rs2134108087, ClinGen allele CA2573130301.
Genomic context (GRCh38, chr10:129,873,522, plus strand): 5'-ATAAGAAGGGGCCGTACCTTCTGACGGGTCTAGGCGGCGGGCCCGCCTCCCGTGTTTGGA[ATTG>A]TTGTGCACAAACATGTTGTCTGACACGGCCAGCACGTGGCCGTCCACGTTGACTGTTGTC-3'